The following is an entry in ClinVar:

NM_000016.6(ACADM):c.120G>C (p.Glu40Asp)

Gene: ACADM (acyl-CoA dehydrogenase medium chain; plus strand). Cytogenetic location: 1p31.1.
Variant type: single nucleotide variant.
Coding change: c.120G>C on transcript NM_000016.6 (MANE Select); coding-DNA position 120, G replaced by C.
Protein change: p.Glu40Asp; replaces glutamic acid 40 with aspartic acid.
Molecular consequence: missense variant. On other transcripts: 5 prime UTR variant (1).
Genome position (GRCh38, 1-based): chr1:75,732,645, G>C. VCF-style: chr1-75732645-G-C. GRCh37 (hg19) VCF-style: chr1-76198330-G-C.
Other names: c.132G>C, p.Glu44Asp (NM_001127328.3); c.12G>C, p.Glu4Asp (NM_001286042.2); c.120G>C, p.Glu40Asp (NM_001286043.2); c.-266G>C (NM_001286044.2); short protein forms E4D, E40D, E44D.
Identifiers: ClinVar variation 2114577 (VCV002114577.4), dbSNP rs370303161, ClinGen allele CA340809073.

ClinVar aggregate classification (germline): Uncertain significance (1 of 4 stars; one submission).

Conditions:
Medium-chain acyl-coenzyme A dehydrogenase deficiency (ACADMD). Also called: MCADH DEFICIENCY; ACADM DEFICIENCY; MCADD; MCAD Deficiency; CARNITINE DEFICIENCY SECONDARY TO MEDIUM-CHAIN ACYL-CoA DEHYDROGENASE DEFICIENCY; Medium chain acyl-CoA dehydrogenase deficiency. Identifiers: Orphanet 42, MedGen C0220710, MONDO:0008721, OMIM 201450.

Submission:

Labcorp Genetics (formerly Invitae), Labcorp
Classification: Uncertain significance for Medium-chain acyl-coenzyme A dehydrogenase deficiency. Last evaluated: 2022-03-19. Review status: criteria provided, single submitter. Criteria: Invitae Variant Classification Sherloc (09022015). Collection method: clinical testing. Allele origin: germline.
Comment: Algorithms developed to predict the effect of missense changes on protein structure and function output the following: SIFT: "Tolerated"; PolyPhen-2: "Benign"; Align-GVGD: "Class C0". The aspartic acid amino acid residue is found in multiple mammalian species, which suggests that this missense change does not adversely affect protein function. This variant has not been reported in the literature in individuals affected with ACADM-related conditions. This variant is not present in population databases (gnomAD no frequency). This sequence change replaces glutamic acid, which is acidic and polar, with aspartic acid, which is acidic and polar, at codon 40 of the ACADM protein (p.Glu40Asp). In summary, the available evidence is currently insufficient to determine the role of this variant in disease. Therefore, it has been classified as a Variant of Uncertain Significance.